The following is an entry in ClinVar:

ClinVar aggregate classification (germline): Benign. Review status: criteria provided, multiple submitters, no conflicts (2 of 4 stars). 5 submissions from 5 submitters: Benign (5). Last evaluated 2026-01-19.

Conditions:
Cataract 6 multiple types. Also called: CATARACT, AGE-RELATED CORTICAL, 2; CATARACT 6, POSTERIOR POLAR; CATARACT 6, CONGENITAL TOTAL. Identifiers: Orphanet 91492, MedGen C1861825, MONDO:0007288, OMIM 116600.

Allele frequency attached by ClinVar (database versions not stated): ESP Exome Variant Server 0.00415; 1000 Genomes Project 30x 0.00687; 1000 Genomes Project 0.00739; gnomAD 0.00766 and 0.00776; gnomAD exomes 0.00788 and 0.01137; ExAC 0.00879; TOPMed 0.00951.
gnomAD v4.1: 12,586 of 1,613,028 alleles (0.78%); highest among the groups gnomAD compares: Admixed American, 4.7%; 128 homozygotes.

Submissions (5):

Labcorp Genetics (formerly Invitae), Labcorp
Classification: Benign for Cataract 6 multiple types. Last evaluated: 2026-01-19. Review status: criteria provided, single submitter. Criteria: Invitae Variant Classification Sherloc (09022015). Collection method: clinical testing. Allele origin: germline.

GeneDx
Classification: Benign. Last evaluated: 2018-11-11. Review status: criteria provided, single submitter. Criteria: GeneDx Variant Classification Process June 2021. Collection method: clinical testing. Allele origin: germline. Affected: yes.

Illumina Laboratory Services, Illumina
Classification: Benign for Cataract 6 multiple types. Last evaluated: 2018-01-12. Review status: criteria provided, single submitter. Criteria: ICSL Variant Classification Criteria 13 December 2019. Collection method: clinical testing. Allele origin: germline.
Comment: This variant was observed in the ICSL laboratory as part of a predisposition screen in an ostensibly healthy population. It had not been previously curated by ICSL or reported in the Human Gene Mutation Database (HGMD: prior to June 1st, 2018), and was therefore a candidate for classification through an automated scoring system. Utilizing variant allele frequency, disease prevalence and penetrance estimates, and inheritance mode, an automated score was calculated to assess if this variant is too frequent to cause the disease. Based on the score and internal cut-off values, a variant classified as benign is not then subjected to further curation. The score for this variant resulted in a classification of benign for this disease.

Breakthrough Genomics
Classification: Benign. Review status: criteria provided, single submitter. Criteria: ACMG Guidelines, 2015. Collection method: not provided. Allele origin: germline. Inheritance: Autosomal dominant inheritance. Affected: yes.

PreventionGenetics, part of Exact Sciences
Classification: Benign. Review status: criteria provided, single submitter. Criteria: ACMG Guidelines, 2015. Collection method: clinical testing. Allele origin: germline.

NM_004431.5(EPHA2):c.648C>T (p.Ala216=)

Gene: EPHA2 (EPH receptor A2; minus strand). Cytogenetic location: 1p36.13.
Variant type: single nucleotide variant.
Coding change: c.648C>T on transcript NM_004431.5 (MANE Select); coding-DNA position 648, C replaced by T.
Protein change: p.Ala216=; no amino-acid change (alanine 216 retained).
Molecular consequence: synonymous variant.
Genome position (GRCh38, 1-based): chr1:16,148,553, G>A on the plus strand (C>T on the coding strand, the complement: EPHA2 is on the minus strand). VCF-style: chr1-16148553-G-A. GRCh37 (hg19) VCF-style: chr1-16475048-G-A.
Other names: c.486C>T, p.Ala162= (NM_001329090.2).
Identifiers: ClinVar variation 259395 (VCV000259395.18), dbSNP rs34753465, ClinGen allele CA625466.
Genomic context (GRCh38, chr1:16,148,553, plus strand): 5'-CACCACGGCATGGTCCACACAGGTGCCGGCCACAGTGGCCAGGGAAGGTGCATCAGAGCC[G>A]GCGATGGTCTCAGGGAAGTGGGCCAGGCCCTGCAGCAGCTCGGGGCACTTCTTGTAGTAG-3'
Protein context (NP_004422.2, residues 206-226): QGLAHFPETI[Ala216=]GSDAPSLATV